The following is an entry in ClinVar:

NM_000264.5(PTCH1):c.2266C>T (p.Leu756Phe)

Genes: PTCH1 (patched 1; minus strand), LOC100507346 (uncharacterized LOC100507346; plus strand). Cytogenetic location: 9q22.32.
Variant type: single nucleotide variant.
Coding change: c.2266C>T on transcript NM_000264.5 (MANE Select); coding-DNA position 2266, C replaced by T.
Protein change: p.Leu756Phe; replaces leucine 756 with phenylalanine.
Molecular consequence: missense variant. On other transcripts: non-coding transcript variant (1).
Genome position (GRCh38, 1-based): chr9:95,467,410, G>A on the plus strand (C>T on the coding strand, the complement: PTCH1 is on the minus strand). VCF-style: chr9-95467410-G-A. GRCh37 (hg19) VCF-style: chr9-98229692-G-A.
Other names: c.2068C>T, p.Leu690Phe (NM_001083602.3); c.2263C>T, p.Leu755Phe (NM_001083603.3); c.1813C>T, p.Leu605Phe (NM_001083604.3, NM_001083605.3, NM_001083606.3 and 1 more transcripts); c.2110C>T, p.Leu704Phe (NM_001354918.2); c.2266C>T (NM_000264.4); c.1813C>T (NM_001083607.1); short protein forms L605F, L690F, L755F, L704F, L756F.
Identifiers: ClinVar variation 1788705 (VCV001788705.14), dbSNP rs1398517498, ClinGen allele CA374114739.
Genomic context (GRCh38, chr9:95,467,410, plus strand): 5'-CCAGCCCGTCTCTCACTCGGGTGGTGCCATAAAGGCTGACCCCCAGCAAGCCCAGAAAAA[G>A]GAAGATCACCACTACCTGGAACAGAAGAGGCACAAGGTCAGACCCCAGGGAGCACCACTG-3'
Protein context (NP_000255.2, residues 746-766): KPKAKVVVIF[Leu756Phe]FLGLLGVSLY

ClinVar aggregate classification (germline): Conflicting classifications of pathogenicity. Review status: criteria provided, conflicting classifications (1 of 4 stars). 5 submissions from 5 submitters: Uncertain significance (3); Likely benign (1). 1 of the submissions does not count toward it. Last evaluated 2025-03-04.

Conditions:
Hereditary cancer-predisposing syndrome. Also called: Tumor predisposition; Neoplastic Syndromes, Hereditary; Hereditary Cancer Syndrome; Hereditary neoplastic syndrome. Identifiers: Orphanet 140162, MedGen C0027672, MeSH D009386, MONDO:0015356.
Gorlin syndrome. Also called: Nevoid Basal Cell Carcinoma Syndrome; Basal cell nevus syndrome. Identifiers: Orphanet 377, MedGen C0004779, MONDO:0007187.
Autism spectrum disorder. Also called: Autism spectrum disorders. Identifiers: MedGen C1510586, MeSH D000067877, MONDO:0005258.

Allele frequency attached by ClinVar (database versions not stated): gnomAD exomes below 0.00001; TOPMed below 0.00001.
gnomAD v4.1: 3 of 1,614,108 alleles (0.00019%); highest among the groups gnomAD compares: Non-Finnish European, 0.00025%; no homozygotes.

Submissions (5):

Center for Genomic Medicine, Rigshospitalet, Copenhagen University Hospital
Classification: Uncertain significance. Last evaluated: 2025-03-04. Review status: criteria provided, single submitter. Criteria: ACMG Guidelines, 2015. Collection method: clinical testing. Allele origin: germline.

Ambry Genetics
Classification: Uncertain significance for Hereditary cancer-predisposing syndrome. Last evaluated: 2025-02-02. Review status: criteria provided, single submitter. Criteria: Ambry Variant Classification Scheme 2023. Collection method: clinical testing. Allele origin: germline.
Comment: The p.L756F variant (also known as c.2266C>T), located in coding exon 15 of the PTCH1 gene, results from a C to T substitution at nucleotide position 2266. The leucine at codon 756 is replaced by phenylalanine, an amino acid with highly similar properties. This amino acid position is well conserved in available vertebrate species. In addition, the in silico prediction for this alteration is inconclusive. Since supporting evidence is limited at this time, the clinical significance of this alteration remains unclear.

Labcorp Genetics (formerly Invitae), Labcorp
Classification: Uncertain significance for Gorlin syndrome. Last evaluated: 2024-07-30. Review status: criteria provided, single submitter. Criteria: Invitae Variant Classification Sherloc (09022015). Collection method: clinical testing. Allele origin: germline.
Comment: This sequence change replaces leucine, which is neutral and non-polar, with phenylalanine, which is neutral and non-polar, at codon 756 of the PTCH1 protein (p.Leu756Phe). This variant is not present in population databases (gnomAD no frequency). This variant has not been reported in the literature in individuals affected with PTCH1-related conditions. ClinVar contains an entry for this variant (Variation ID: 1788705). Advanced modeling of protein sequence and biophysical properties (such as structural, functional, and spatial information, amino acid conservation, physicochemical variation, residue mobility, and thermodynamic stability) performed at Invitae indicates that this missense variant is not expected to disrupt PTCH1 protein function with a negative predictive value of 95%. In summary, the available evidence is currently insufficient to determine the role of this variant in disease. Therefore, it has been classified as a Variant of Uncertain Significance.

Department of Genetics, Rouen University Hospital, Normandy Center for Genomic and Personalized Medicine
Classification: Likely benign for Autism spectrum disorder. Last evaluated: 2022-02-16. Review status: criteria provided, single submitter. Criteria: ACMG Guidelines, 2015. Collection method: clinical testing. Allele origin: paternal. Affected: yes.

Genetic Services Laboratory, University of Chicago
Classification: Uncertain significance. Last evaluated: 2022-05-11. Review status: no assertion criteria provided. Collection method: clinical testing. Allele origin: germline. Affected: no. Not counted in ClinVar's aggregate classification.
Comment: DNA sequence analysis of the PTCH1 gene demonstrated a sequence change, c.2266C>T, in exon 15 that results in an amino acid change, p.Leu756Phe. This sequence change does not appear to have been previously described in individuals with PTCH1-related disorders and has also not been described in population databases such as ExAC and gnomAD (dbSNP rs1398517498). The p.Leu756Phe change affects a moderately conserved amino acid residue located in a domain of the PTCH1 protein that is known to be functional. The p.Leu756Phe substitution appears to be benign using several in-silico pathogenicity prediction tools (SIFT, Align GVGD, REVEL). Due to insufficient evidences and the lack of functional studies, the clinical significance of the p.Leu756Phe change remains unknown at this time.